The following is an entry in ClinVar:

ClinVar aggregate classification (germline): Uncertain significance (1 of 4 stars; one submission).

Submission:

Labcorp Genetics (formerly Invitae), Labcorp
Classification: Uncertain significance. Last evaluated: 2024-06-22. Review status: criteria provided, single submitter. Criteria: Invitae Variant Classification Sherloc (09022015). Collection method: clinical testing. Allele origin: germline.
Comment: This sequence change replaces glutamine, which is neutral and polar, with proline, which is neutral and non-polar, at codon 1377 of the KAT6A protein (p.Gln1377Pro). This variant is not present in population databases (gnomAD no frequency). This variant has not been reported in the literature in individuals affected with KAT6A-related conditions. Advanced modeling of protein sequence and biophysical properties (such as structural, functional, and spatial information, amino acid conservation, physicochemical variation, residue mobility, and thermodynamic stability) performed at Invitae indicates that this missense variant is not expected to disrupt KAT6A protein function with a negative predictive value of 80%. In summary, the available evidence is currently insufficient to determine the role of this variant in disease. Therefore, it has been classified as a Variant of Uncertain Significance.

NM_006766.5(KAT6A):c.4130A>C (p.Gln1377Pro)

Gene: KAT6A (lysine acetyltransferase 6A; minus strand). Cytogenetic location: 8p11.21.
Variant type: single nucleotide variant.
Coding change: c.4130A>C on transcript NM_006766.5 (MANE Select); coding-DNA position 4130, A replaced by C.
Protein change: p.Gln1377Pro; replaces glutamine 1377 with proline.
Molecular consequence: missense variant.
Genome position (GRCh38, 1-based): chr8:41,934,090, T>G on the plus strand (A>C on the coding strand, the complement: KAT6A is on the minus strand). VCF-style: chr8-41934090-T-G. GRCh37 (hg19) VCF-style: chr8-41791608-T-G.
Other names: short protein forms Q1377P.
Identifiers: ClinVar variation 3698910 (VCV003698910.2).